The following is an entry in ClinVar:

ClinVar aggregate classification (germline): Uncertain significance. Review status: criteria provided, multiple submitters, no conflicts (2 of 4 stars). 3 submissions from 3 submitters: Uncertain significance (3). Last evaluated 2023-02-22.

Conditions:
Brachydactyly type B1 (BDB1). Identifiers: Orphanet 572385, Orphanet 93383, MedGen C1862112, MONDO:0007220, OMIM 113000.
Autosomal recessive Robinow syndrome (RRS1). Also called: ROR2-Related Robinow Syndrome; COSTOVERTEBRAL SEGMENTATION DEFECT WITH MESOMELIA; COVESDEM SYNDROME; ROBINOW SYNDROME, AUTOSOMAL RECESSIVE 1. Identifiers: Orphanet 1507, Orphanet 97360, MedGen C5399974, MONDO:0009999, OMIM 268310.
Inborn genetic diseases. Identifiers: MedGen C0950123, MeSH D030342.

Allele frequency attached by ClinVar (database versions not stated): gnomAD 0.00001; gnomAD exomes 0.00001.
gnomAD v4.1: 14 of 1,613,774 alleles (0.00087%); highest among the groups gnomAD compares: Admixed American, 0.0033%; no homozygotes.

Submissions (3):

Ambry Genetics
Classification: Uncertain significance for Inborn genetic diseases. Last evaluated: 2023-02-22. Review status: criteria provided, single submitter. Criteria: Ambry Variant Classification Scheme 2023. Collection method: clinical testing. Allele origin: germline.

Fulgent Genetics
Classification: Uncertain significance for Brachydactyly type B1; Autosomal recessive Robinow syndrome. Last evaluated: 2022-03-30. Review status: criteria provided, single submitter. Criteria: ACMG Guidelines, 2015. Collection method: clinical testing. Allele origin: unknown.

Labcorp Genetics (formerly Invitae), Labcorp
Classification: Uncertain significance. Last evaluated: 2022-02-18. Review status: criteria provided, single submitter. Criteria: Invitae Variant Classification Sherloc (09022015). Collection method: clinical testing. Allele origin: germline.
Comment: In summary, the available evidence is currently insufficient to determine the role of this variant in disease. Therefore, it has been classified as a Variant of Uncertain Significance. Advanced modeling of protein sequence and biophysical properties (such as structural, functional, and spatial information, amino acid conservation, physicochemical variation, residue mobility, and thermodynamic stability) performed at Invitae indicates that this missense variant is not expected to disrupt ROR2 protein function. This variant has not been reported in the literature in individuals affected with ROR2-related conditions. This variant is not present in population databases (gnomAD no frequency). This sequence change replaces arginine, which is basic and polar, with tryptophan, which is neutral and slightly polar, at codon 112 of the ROR2 protein (p.Arg112Trp).

NM_004560.4(ROR2):c.334C>T (p.Arg112Trp)

Gene: ROR2 (receptor tyrosine kinase like orphan receptor 2; minus strand). Cytogenetic location: 9q22.31.
Variant type: single nucleotide variant.
Coding change: c.334C>T on transcript NM_004560.4 (MANE Select); coding-DNA position 334, C replaced by T.
Protein change: p.Arg112Trp; replaces arginine 112 with tryptophan.
Molecular consequence: missense variant.
Genome position (GRCh38, 1-based): chr9:91,757,401, G>A on the plus strand (C>T on the coding strand, the complement: ROR2 is on the minus strand). VCF-style: chr9-91757401-G-A. GRCh37 (hg19) VCF-style: chr9-94519683-G-A.
Other names: c.334C>T (NM_004560.3); c.334C>T, p.Arg112Trp (NM_001318204.2); short protein forms R112W.
Identifiers: ClinVar variation 1501680 (VCV001501680.11), dbSNP rs868585233, ClinGen allele CA195975351.
Genomic context (GRCh38, chr9:91,757,401, plus strand): 5'-AGCCAGTGTCTGTCGTGTCCAGGTCCTGGATTCGCAGTCGTGAACCATATTCTGTCTTCC[G>A]GATGATGATCCGCCGCGGCTCCTGCACCACCGGGGCATCATTCTTTAGCCACCGCACGTT-3'
Protein context (NP_004551.2, residues 102-122): VVQEPRRIII[Arg112Trp]KTEYGSRLRI